The following is an entry in ClinVar:

ClinVar aggregate classification (germline): Benign (0 of 4 stars; one submission).

Conditions:
SLC29A4-related disorder. Also called: SLC29A4-related condition.

Allele frequency attached by ClinVar (database versions not stated): 1000 Genomes Project 0.00100; 1000 Genomes Project 30x 0.00109; ExAC 0.00176; ESP Exome Variant Server 0.00177; gnomAD 0.00236; TOPMed 0.00257.
gnomAD v4.1: 4,460 of 1,612,106 alleles (0.28%); highest among the groups gnomAD compares: Admixed American, 0.36%; 9 homozygotes.

Submission:

PreventionGenetics, part of Exact Sciences
Classification: Benign for SLC29A4-related condition. Last evaluated: 2019-02-21. Review status: no assertion criteria provided. Collection method: clinical testing. Allele origin: germline.
Comment: This variant is classified as benign based on ACMG/AMP sequence variant interpretation guidelines (Richards et al. 2015 PMID: 25741868, with internal and published modifications).

NM_153247.4(SLC29A4):c.86A>G (p.Asp29Gly)

Gene: SLC29A4 (solute carrier family 29 member 4; plus strand). Cytogenetic location: 7p22.1.
Variant type: single nucleotide variant.
Coding change: c.86A>G on transcript NM_153247.4 (MANE Select); coding-DNA position 86, A replaced by G.
Protein change: p.Asp29Gly; replaces aspartic acid 29 with glycine.
Molecular consequence: missense variant.
Genome position (GRCh38, 1-based): chr7:5,287,902, A>G. VCF-style: chr7-5287902-A-G. GRCh37 (hg19) VCF-style: chr7-5327533-A-G.
Other names: c.86A>G, p.Asp29Gly (NM_001040661.3, NM_001300847.3); short protein forms D29G.
Identifiers: ClinVar variation 3044053 (VCV003044053.2), dbSNP rs145276221, ClinGen allele CA4142157.
Genomic context (GRCh38, chr7:5,287,902, plus strand): 5'-TTGAGGAGCCCAGCGTGGCAGGCACACCAGACCCGGGCGTAGTGATGAGCTTCACCTTCG[A>G]CAGTCACCAGCTGGAGGAGGCGGCGGAGGCGGCTCAGGGCCAGGGCCTTAGGGCCAGGGG-3'
Protein context (NP_694979.2, residues 19-39): DPGVVMSFTF[Asp29Gly]SHQLEEAAEA